The following is an entry in ClinVar:

ClinVar aggregate classification (germline): Conflicting classifications of pathogenicity. Review status: criteria provided, conflicting classifications (1 of 4 stars). 6 submissions from 6 submitters: Likely pathogenic (2); Uncertain significance (4). Last evaluated 2025-10-21.

Conditions:
Tuberous sclerosis 2 (TSC2). Identifiers: Orphanet 805, MedGen C1860707, MONDO:0013199, OMIM 613254.
Hereditary cancer-predisposing syndrome. Also called: Tumor predisposition; Hereditary neoplastic syndrome; Neoplastic Syndromes, Hereditary; Hereditary Cancer Syndrome. Identifiers: Orphanet 140162, MedGen C0027672, MeSH D009386, MONDO:0015356.

Submissions (6):

Labcorp Genetics (formerly Invitae), Labcorp
Classification: Uncertain significance for Tuberous sclerosis 2. Last evaluated: 2025-10-21. Review status: criteria provided, single submitter. Criteria: Invitae Variant Classification Sherloc (09022015). Collection method: clinical testing. Allele origin: germline.
Comment: This sequence change replaces histidine, which is basic and polar, with arginine, which is basic and polar, at codon 1543 of the TSC2 protein (p.His1543Arg). This variant is not present in population databases (gnomAD no frequency). This missense change has been observed in individual(s) with tuberous sclerosis (PMID: 35599849, 36232477). ClinVar contains an entry for this variant (Variation ID: 973206). Invitae Evidence Modeling of protein sequence and biophysical properties (such as structural, functional, and spatial information, amino acid conservation, physicochemical variation, residue mobility, and thermodynamic stability) has been performed for this missense variant. However, the output from this modeling did not meet the statistical confidence thresholds required to predict the impact of this variant on TSC2 protein function. In summary, the available evidence is currently insufficient to determine the role of this variant in disease. Therefore, it has been classified as a Variant of Uncertain Significance.

GeneDx
Classification: Uncertain significance. Last evaluated: 2025-08-15. Review status: criteria provided, single submitter. Criteria: GeneDx Variant Classification Process June 2021. Collection method: clinical testing. Allele origin: germline.
Comment: Not observed at significant frequency in large population cohorts (gnomAD); In silico analysis supports that this missense variant has a deleterious effect on protein structure/function; This variant is associated with the following publications: (PMID: 36232477, 35599849, 18466115)

Ambry Genetics
Classification: Uncertain significance for Hereditary cancer-predisposing syndrome. Last evaluated: 2023-11-29. Review status: criteria provided, single submitter. Criteria: Ambry Variant Classification Scheme 2023. Collection method: clinical testing. Allele origin: germline.
Comment: The p.H1543R variant (also known as c.4628A>G), located in coding exon 35 of the TSC2 gene, results from an A to G substitution at nucleotide position 4628. The histidine at codon 1543 is replaced by arginine, an amino acid with highly similar properties. This variant was identified in an individual with clinical suspicion of tuberous sclerosis complex (TSC) undergoing whole exome or genome sequencing (Elliott AM et al. HGG Adv, 2022 Jul;3:100108). This variant was also identified in 1 of 283 patients with a definite or suspected clinical diagnosis of TSC (Togi S et al. Int J Mol Sci, 2022 Sep;23:). This amino acid position is highly conserved in available vertebrate species. In addition, this alteration is predicted to be deleterious by in silico analysis. Since supporting evidence is limited at this time, the clinical significance of this alteration remains unclear.

Division of Human Genetics, National Health Laboratory Service/University of the Witwatersrand
Classification: Likely pathogenic for Tuberous sclerosis 2. Last evaluated: 2023-07-01. Review status: criteria provided, single submitter. Criteria: ACMG Guidelines, 2015. Collection method: research. Allele origin: germline. Affected: yes.

Victorian Clinical Genetics Services, Murdoch Childrens Research Institute
Classification: Uncertain significance for Tuberous sclerosis 2. Last evaluated: 2022-03-31. Review status: criteria provided, single submitter. Criteria: ACMG Guidelines, 2015. Collection method: clinical testing. Allele origin: germline. Inheritance: Autosomal dominant inheritance. Affected: yes.
Comment: Based on the classification scheme VCGS_Germline_v1.3.4, this variant is classified as VUS-3A. Following criteria are met: 0102 - Loss of function is a known mechanism of disease in this gene and is associated with tuberous sclerosis-2 (MIM#613254). (I) 0107 - This gene is associated with autosomal dominant disease. (I) 0115 - Variants in this gene are known to have variable expressivity. Clinical symptoms can be variable and subtle among affected individuals within the same family (PMIDs: 21332470, 31018109). (I) 0200 - Variant is predicted to result in a missense amino acid change from histidine to arginine. (I) 0251 - This variant is heterozygous. (I) 0301 - Variant is absent from gnomAD (both v2 and v3). (SP) 0309 - An alternative amino acid change at the same position has been observed in gnomAD (v2) (1 heterozygote, 0 homozygotes). (I) 0501 - Missense variant consistently predicted to be damaging by multiple in silico tools or highly conserved with a major amino acid change. (SP) 0604 - Variant is not located in an established domain, motif, hotspot or informative constraint region. (I) 0710 - Another missense variant comparable to the one identified in this case has inconclusive previous evidence for pathogenicity. p.(His1543Tyr) has been observed once and classified as a VUS by a clinical laboratory in ClinVar. (I) 0803 - This variant has limited previous evidence of pathogenicity in an unrelated individual. This variant has been observed in an affected individual by a clinical laboratory in ClinVar. (SP) 0905 - No published segregation evidence has been identified for this variant. (I) 1007 - No published functional evidence has been identified for this variant. (I) 1208 - Inheritance information for this variant is not currently available in this individual. (I) Legend: (SP) - Supporting pathogenic, (I) - Information, (SB) - Supporting benign

Division of Genomic Medicine, Department of Advanced Medicine, Medical Research Institute, Kanazawa Medical University
Classification: Likely pathogenic for Tuberous sclerosis 2. Last evaluated: 2020-07-10. Review status: criteria provided, single submitter. Criteria: ACMG Guidelines, 2015. Collection method: clinical testing. Allele origin: germline. Affected: yes. Observed: 1 variant allele.

Literature cited by the submitters: PubMed 35599849 (cited by Labcorp Genetics (formerly Invitae), Labcorp and Ambry Genetics); PubMed 36232477 (cited by Labcorp Genetics (formerly Invitae), Labcorp and Ambry Genetics); PubMed 21332470 (cited by Victorian Clinical Genetics Services, Murdoch Childrens Research Institute); PubMed 31018109 (cited by Victorian Clinical Genetics Services, Murdoch Childrens Research Institute).

NM_000548.5(TSC2):c.4628A>G (p.His1543Arg)

Gene: TSC2 (TSC complex subunit 2; plus strand). Cytogenetic location: 16p13.3.
Variant type: single nucleotide variant.
Coding change: c.4628A>G on transcript NM_000548.5 (MANE Select); coding-DNA position 4628, A replaced by G.
Protein change: p.His1543Arg; replaces histidine 1543 with arginine.
Molecular consequence: missense variant.
Genome position (GRCh38, 1-based): chr16:2,085,288, A>G. VCF-style: chr16-2085288-A-G. GRCh37 (hg19) VCF-style: chr16-2135289-A-G.
Other names: c.4427A>G, p.His1476Arg (NM_001077183.3); c.4559A>G, p.His1520Arg (NM_001114382.3); c.4319A>G, p.His1440Arg (NM_001318827.2); c.4283A>G, p.His1428Arg (NM_001318829.2); c.3896A>G, p.His1299Arg (NM_001318831.2); c.4460A>G, p.His1487Arg (NM_001318832.2); c.4430A>G, p.His1477Arg (NM_001363528.2); c.4496A>G, p.His1499Arg (NM_001370404.1); and 2 more; short protein forms H1299R, H1428R, H1440R, H1476R, H1477R, H1487R, H1499R, H1500R.
Identifiers: ClinVar variation 973206 (VCV000973206.9), dbSNP rs2090628516, ClinGen allele CA394304851.